The following is an entry in ClinVar:

NM_001111.5(ADAR):c.2079+8G>A

Gene: ADAR (adenosine deaminase RNA specific; minus strand). Cytogenetic location: 1q21.3.
Variant type: single nucleotide variant.
Coding change: c.2079+8G>A on transcript NM_001111.5 (MANE Select); 8 bases into the intron after coding-DNA position 2079, G replaced by A.
Molecular consequence: intron variant.
Genome position (GRCh38, 1-based): chr1:154,597,115, C>T on the plus strand (G>A on the coding strand, the complement: ADAR is on the minus strand). VCF-style: chr1-154597115-C-T. GRCh37 (hg19) VCF-style: chr1-154569591-C-T.
Other names: p.?; c.2079+8G>A (LRG_1212t1, NM_015841.4, NM_015840.4); c.1194+8G>A (NM_001365046.1, NM_001025107.3, NM_001365048.1 and 3 more transcripts); c.2106+8G>A (NM_001365045.1).
Identifiers: ClinVar variation 292768 (VCV000292768.62), dbSNP rs376867928, ClinGen allele CA1131388.

ClinVar aggregate classification (germline): Conflicting classifications of pathogenicity. Review status: criteria provided, conflicting classifications (1 of 4 stars). 6 submissions from 6 submitters: Uncertain significance (2); Benign (2); Likely benign (2). Last evaluated 2026-02-01.

Conditions:
Symmetrical dyschromatosis of extremities (DSH). Also called: SYMMETRIC DYSCHROMATOSIS OF THE EXTREMITIES; Dyschromatosis symmetrica hereditaria; DYSCHROMATOSIS SYMMETRICA HEREDITARIA 1; RETICULATE ACROPIGMENTATION OF DOHI. Identifiers: Orphanet 41, MedGen C0406775, MONDO:0007483, OMIM 127400.
Aicardi-Goutieres syndrome 6 (AGS6). Identifiers: Orphanet 51, MedGen C3539013, MONDO:0014007, OMIM 615010.

Allele frequency attached by ClinVar (database versions not stated): gnomAD exomes 0.00020 and 0.00039; ExAC 0.00046; 1000 Genomes Project 0.00120; 1000 Genomes Project 30x 0.00125; gnomAD 0.00127 and 0.00139; TOPMed 0.00148; ESP Exome Variant Server 0.00161.
gnomAD v4.1: 495 of 1,614,146 alleles (0.031%); highest among the groups gnomAD compares: African/African-American, 0.42%; no homozygotes.

Submissions (6):

Labcorp Genetics (formerly Invitae), Labcorp
Classification: Benign for Aicardi-Goutieres syndrome 6; Symmetrical dyschromatosis of extremities. Last evaluated: 2026-02-01. Review status: criteria provided, single submitter. Criteria: Invitae Variant Classification Sherloc (09022015). Collection method: clinical testing. Allele origin: germline.

Mayo Clinic Laboratories, Mayo Clinic
Classification: Likely benign. Last evaluated: 2025-04-25. Review status: criteria provided, single submitter. Criteria: ACMG Guidelines, 2015. Collection method: clinical testing. Allele origin: germline. Observed: 2 variant alleles.
Comment: BS1, BP4, BP7

Blueprint Genetics
Classification: Likely benign. Last evaluated: 2024-11-01. Review status: criteria provided, single submitter. Criteria: ACMG Guidelines, 2015. Collection method: clinical testing. Allele origin: germline.

Illumina Laboratory Services, Illumina
Classification: Benign for Symmetrical dyschromatosis of extremities. Last evaluated: 2018-01-13. Review status: criteria provided, single submitter. Criteria: ICSL Variant Classification Criteria 13 December 2019. Collection method: clinical testing. Allele origin: germline.
Comment: This variant was observed in the ICSL laboratory as part of a predisposition screen in an ostensibly healthy population. It had not been previously curated by ICSL or reported in the Human Gene Mutation Database (HGMD: prior to June 1st, 2018), and was therefore a candidate for classification through an automated scoring system. Utilizing variant allele frequency, disease prevalence and penetrance estimates, and inheritance mode, an automated score was calculated to assess if this variant is too frequent to cause the disease. Based on the score and internal cut-off values, a variant classified as benign is not then subjected to further curation. The score for this variant resulted in a classification of benign for this disease.

CeGaT Center for Human Genetics Tuebingen
Classification: Uncertain significance. Last evaluated: 2017-06-01. Review status: criteria provided, single submitter. Criteria: CeGaT Center For Human Genetics Tuebingen Variant Classification Criteria Version 2. Collection method: clinical testing. Allele origin: germline. Affected: yes. Observed: 1 variant allele.

Eurofins Ntd Llc (ga)
Classification: Uncertain significance. Last evaluated: 2017-02-20. Review status: criteria provided, single submitter. Criteria: EGL Classification Definitions 2015. Collection method: clinical testing. Allele origin: germline. Observed: 1 variant allele, 1 heterozygote.